The following is an entry in ClinVar:

NM_000059.4(BRCA2):c.7328A>C (p.Asp2443Ala)

Gene: BRCA2 (BRCA2 DNA repair associated; plus strand). Cytogenetic location: 13q13.1.
Variant type: single nucleotide variant.
Coding change: c.7328A>C on transcript NM_000059.4 (MANE Select); coding-DNA position 7328, A replaced by C.
Protein change: p.Asp2443Ala; replaces aspartic acid 2443 with alanine.
Molecular consequence: missense variant. On other transcripts: non-coding transcript variant (1).
Genome position (GRCh38, 1-based): chr13:32,355,181, A>C. VCF-style: chr13-32355181-A-C. GRCh37 (hg19) VCF-style: chr13-32929318-A-C.
Other names: c.7232A>C, p.Asp2411Ala (NM_001406719.1); c.7328A>C, p.Asp2443Ala (NM_001406720.1, NM_001432077.1); c.2396A>C, p.Asp799Ala (NM_001406721.1); c.911A>C, p.Asp304Ala (NM_001406722.1); short protein forms D2443A, D2411A, D799A, D304A.
Identifiers: ClinVar variation 4215878 (VCV004215878.1).

ClinVar aggregate classification (germline): Uncertain significance (1 of 4 stars; one submission).

Conditions:
Hereditary cancer-predisposing syndrome. Also called: Hereditary Cancer Syndrome; Hereditary neoplastic syndrome; Neoplastic Syndromes, Hereditary; Tumor predisposition. Identifiers: Orphanet 140162, MedGen C0027672, MeSH D009386, MONDO:0015356.

Submission:

Ambry Genetics
Classification: Uncertain significance for Hereditary cancer-predisposing syndrome. Last evaluated: 2025-07-28. Review status: criteria provided, single submitter. Criteria: Ambry Variant Classification Scheme 2023. Collection method: clinical testing. Allele origin: germline.
Comment: The p.D2443A variant (also known as c.7328A>C), located in coding exon 13 of the BRCA2 gene, results from an A to C substitution at nucleotide position 7328. The aspartic acid at codon 2443 is replaced by alanine, an amino acid with dissimilar properties. This amino acid position is conserved. In addition, this alteration is predicted to be tolerated by in silico analysis. Based on the available evidence, the clinical significance of this variant remains unclear.